The following is an entry in ClinVar:

NM_000052.7(ATP7A):c.3816G>C (p.Lys1272Asn)

Gene: ATP7A (ATPase copper transporting alpha; plus strand). Cytogenetic location: Xq21.1.
Variant type: single nucleotide variant.
Coding change: c.3816G>C on transcript NM_000052.7 (MANE Select); coding-DNA position 3816, G replaced by C.
Protein change: p.Lys1272Asn; replaces lysine 1272 with asparagine.
Molecular consequence: missense variant. On other transcripts: non-coding transcript variant (1).
Genome position (GRCh38, 1-based): chrX:78,042,599, G>C. VCF-style: chrX-78042599-G-C. GRCh37 (hg19) VCF-style: chrX-77298097-G-C.
Other names: c.3582G>C, p.Lys1194Asn (NM_001282224.2); short protein forms K1194N, K1272N.
Identifiers: ClinVar variation 1702690 (VCV001702690.3), dbSNP rs2149111723, ClinGen allele CA413605037.
Genomic context (GRCh38, chrX:78,042,599, plus strand): 5'-GTACTCATTATTTTTTAAATGAATTGAGTTTATTTTCATCACATAGGTTGGCATTACTAA[G>C]GTGTTTGCTGAAGTTCTACCTTCTCACAAGGTTGCTAAAGTGAAGCAACTTCAAGAGGAG-3'
Protein context (NP_000043.4, residues 1262-1282): RSIASQVGIT[Lys1272Asn]VFAEVLPSHK

ClinVar aggregate classification (germline): Uncertain significance (1 of 4 stars; one submission).

Submission:

GeneDx
Classification: Uncertain significance. Last evaluated: 2025-04-04. Review status: criteria provided, single submitter. Criteria: GeneDx Variant Classification Process June 2021. Collection method: clinical testing. Allele origin: germline.
Comment: Not observed at significant frequency in large population cohorts (gnomAD); In silico analysis supports that this missense variant has a deleterious effect on protein structure/function; Has not been previously published as pathogenic or benign to our knowledge